The following is an entry in ClinVar:

NM_025136.4(OPA3):c.13_20del (p.Ala5fs)

Genes: OPA3 (outer mitochondrial membrane lipid metabolism regulator OPA3; minus strand), OPA3-RTN2 (OPA3-RTN2 readthrough; minus strand), LOC130064709 (ATAC-STARR-seq lymphoblastoid active region 14802; plus strand). Cytogenetic location: 19q13.32.
Variant type: Deletion.
Coding change: c.13_20del on transcript NM_025136.4 (MANE Select); coding-DNA positions 13 to 20, 8 bases deleted (GCGTTCCC; older notation c.13_20delGCGTTCCC).
Protein change: p.Ala5fs; shifts the reading frame from alanine 5.
Molecular consequence: frameshift variant.
Genome position (GRCh38, 1-based): chr19:45,584,745-45,584,752, GGGAACGC deleted on the plus strand (GCGTTCCC on the coding strand, the reverse complement: OPA3 is on the minus strand); deleting any 8 consecutive bases within chr19:45,584,745-45,584,753 gives the same sequence; the c. name uses the placement nearest the transcript's 3' end. VCF-style (leftmost placement, unchanged base first): chr19-45584744-AGGGAACGC-A. GRCh37 (hg19) VCF-style: chr19-46088002-AGGGAACGC-A.
Other names: c.13_20del, p.Ala5fs (NM_001017989.3); short protein forms A5fs.
Identifiers: ClinVar variation 4816243 (VCV004816243.1).

ClinVar aggregate classification (germline): Likely pathogenic (1 of 4 stars; one submission).

Conditions:
3-Methylglutaconic aciduria type 3 (MGCA3). Also called: OPA3, AUTOSOMAL RECESSIVE; OPTIC ATROPHY 3, AUTOSOMAL RECESSIVE; OPA3-Related 3-Methylglutaconic Aciduria; Costeff Syndrome. Identifiers: Orphanet 67047, MedGen C0574084, MONDO:0009787, OMIM 258501.

Submission:

Natera, Inc.
Classification: Likely pathogenic for 3-methylglutaconic aciduria type 3. Last evaluated: 2025-10-27. Review status: criteria provided, single submitter. Criteria: Natera Variant Classification Schema (03/2026). Collection method: clinical testing. Allele origin: germline.
Comment: The c.13_20del variant in OPA3 is a frameshift variant predicted to shift the reading frame beginning at codon 5 and leads to a stop codon 21 codons downstream. This variant is expected to result in nonsense mediated decay, truncation, or a dysfunctional protein product. This variant is rare in the general population with a frequency below the threshold expected for the associated phenotype(s). Given the available evidence, this variant is classified as Likely Pathogenic.